The following is an entry in ClinVar:

NM_001130009.3(GEN1):c.385G>T (p.Val129Phe)

Gene: GEN1 (GEN1 structure-specific endonuclease; plus strand). Cytogenetic location: 2p24.2.
Variant type: single nucleotide variant.
Coding change: c.385G>T on transcript NM_001130009.3 (MANE Select); coding-DNA position 385, G replaced by T.
Protein change: p.Val129Phe; replaces valine 129 with phenylalanine.
Molecular consequence: missense variant.
Genome position (GRCh38, 1-based): chr2:17,764,933, G>T. VCF-style: chr2-17764933-G-T. GRCh37 (hg19) VCF-style: chr2-17946200-G-T.
Other names: c.385G>T, p.Val129Phe (NM_182625.5); short protein forms V129F.
Identifiers: ClinVar variation 5022332 (VCV005022332.1).

ClinVar aggregate classification (germline): Uncertain significance (1 of 4 stars; one submission).

gnomAD v4.1: 8 of 1,614,068 alleles (0.0005%); highest among the groups gnomAD compares: South Asian, 0.0077%; no homozygotes.

Submission:

Ambry Genetics
Classification: Uncertain significance. Last evaluated: 2026-08-16. Review status: criteria provided, single submitter. Criteria: Ambry Variant Classification Scheme 2023. Collection method: clinical testing. Allele origin: germline.
Comment: The p.V129F variant (also known as c.385G>T), located in coding exon 3 of the GEN1 gene, results from a G to T substitution at nucleotide position 385. The valine at codon 129 is replaced by phenylalanine, an amino acid with highly similar properties. This amino acid position is conserved. In addition, this alteration is predicted to be deleterious by in silico analysis. Based on the available evidence, the clinical significance of this variant remains unclear.